The following is an entry in ClinVar:

NM_001006658.3(CR2):c.2990C>T (p.Thr997Ile)

Gene: CR2 (complement C3d receptor 2; plus strand). Cytogenetic location: 1q32.2.
Variant type: single nucleotide variant.
Coding change: c.2990C>T on transcript NM_001006658.3 (MANE Select); coding-DNA position 2990, C replaced by T.
Protein change: p.Thr997Ile; replaces threonine 997 with isoleucine.
Molecular consequence: missense variant.
Genome position (GRCh38, 1-based): chr1:207,477,972, C>T. VCF-style: chr1-207477972-C-T. GRCh37 (hg19) VCF-style: chr1-207651317-C-T.
Other names: c.2813C>T, p.Thr938Ile (NM_001877.5); c.2990C>T (NM_001006658.2); short protein forms T997I, T938I.
Identifiers: ClinVar variation 1509618 (VCV001509618.7), dbSNP rs760387989, ClinGen allele CA36653839.
Genomic context (GRCh38, chr1:207,477,972, plus strand): 5'-TGGATGGAATCCAGAAAGGGCTGGAACCAAGGAAAATGTATCAGTATGGAGCTGTTGTAA[C>T]TCTGGAGTGTGAAGATGGGTATATGCTGGAAGGCAGTCCCCAGAGCCAGTGCCAATCGGA-3'
Protein context (NP_001006659.1, residues 987-1007): RKMYQYGAVV[Thr997Ile]LECEDGYMLE

ClinVar aggregate classification (germline): Uncertain significance. Review status: criteria provided, multiple submitters, no conflicts (2 of 4 stars). 3 submissions from 3 submitters: Uncertain significance (3). Last evaluated 2023-04-11.

Conditions:
Immunodeficiency, common variable, 7. Identifiers: Orphanet 1572, Orphanet 696894, MedGen C3542922, MONDO:0013862, OMIM 614699.
Inborn genetic diseases. Identifiers: MedGen C0950123, MeSH D030342.

Allele frequency attached by ClinVar (database versions not stated): gnomAD exomes below 0.00001 and 0.00006; TOPMed 0.00001.
gnomAD v4.1: 86 of 1,614,070 alleles (0.0053%); highest among the groups gnomAD compares: Non-Finnish European, 0.0073%; no homozygotes.

Submissions (3):

Genome-Nilou Lab
Classification: Uncertain significance for Immunodeficiency, common variable, 7. Last evaluated: 2023-04-11. Review status: criteria provided, single submitter. Criteria: ACMG Guidelines, 2015. Collection method: clinical testing. Allele origin: germline. Affected: no.

Ambry Genetics
Classification: Uncertain significance for Inborn genetic diseases. Last evaluated: 2022-05-04. Review status: criteria provided, single submitter. Criteria: Ambry Variant Classification Scheme 2023. Collection method: clinical testing. Allele origin: germline.

Labcorp Genetics (formerly Invitae), Labcorp
Classification: Uncertain significance for Immunodeficiency, common variable, 7. Last evaluated: 2021-07-14. Review status: criteria provided, single submitter. Criteria: Invitae Variant Classification Sherloc (09022015). Collection method: clinical testing. Allele origin: germline.
Comment: This sequence change replaces threonine with isoleucine at codon 997 of the CR2 protein (p.Thr997Ile). The threonine residue is moderately conserved and there is a moderate physicochemical difference between threonine and isoleucine. This variant is not present in population databases (ExAC no frequency). In summary, the available evidence is currently insufficient to determine the role of this variant in disease. Therefore, it has been classified as a Variant of Uncertain Significance. Algorithms developed to predict the effect of missense changes on protein structure and function (SIFT, PolyPhen-2, Align-GVGD) all suggest that this variant is likely to be tolerated. This variant has not been reported in the literature in individuals affected with CR2-related conditions.